The following is an entry in ClinVar:

NM_213595.4(ISCU):c.338_339+2del

Gene: ISCU (iron-sulfur cluster assembly enzyme; plus strand). Cytogenetic location: 12q23.3.
Variant type: Deletion.
Coding change: c.338_339+2del on transcript NM_213595.4 (MANE Select); coding-DNA position 338 through the canonical splice donor site of the intron after coding-DNA position 339, 4 bases deleted (CGGT; older notation c.338_339+2delCGGT).
Molecular consequence: splice donor variant.
Genome position (GRCh38, 1-based): chr12:108,565,430-108,565,433, CGGT deleted. VCF-style (leftmost placement, unchanged base first): chr12-108565429-ACGGT-A. GRCh37 (hg19) VCF-style: chr12-108959205-ACGGT-A.
Other names: c.263_264+2del (NM_014301.4); c.338_339+2del (NM_001320042.1, NM_001301140.1, NM_001301141.1).
Identifiers: ClinVar variation 1408406 (VCV001408406.4), dbSNP rs753519258, ClinGen allele CA6768827.

ClinVar aggregate classification (germline): Uncertain significance. Review status: criteria provided, multiple submitters, no conflicts (2 of 4 stars). 2 submissions from 2 submitters: Uncertain significance (2). Last evaluated 2023-10-03.

Allele frequency attached by ClinVar (database versions not stated): ExAC 0.00002; gnomAD exomes 0.00002; gnomAD 0.00003 and 0.00004; TOPMed 0.00003.

Submissions (2):

Labcorp Genetics (formerly Invitae), Labcorp
Classification: Uncertain significance. Last evaluated: 2023-10-03. Review status: criteria provided, single submitter. Criteria: Invitae Variant Classification Sherloc (09022015). Collection method: clinical testing. Allele origin: germline.
Comment: This variant results in the deletion of part of exon 3 (c.338_339+2del) of the ISCU gene. It is expected to disrupt RNA splicing. Variants that disrupt the donor or acceptor splice site typically lead to a loss of protein function (PMID: 16199547), however the current clinical and genetic evidence is not sufficient to establish whether loss-of-function variants in ISCU cause disease. This variant is present in population databases (rs753519258, gnomAD 0.009%). This variant has not been reported in the literature in individuals affected with ISCU-related conditions. ClinVar contains an entry for this variant (Variation ID: 1408406). In summary, the available evidence is currently insufficient to determine the role of this variant in disease. Therefore, it has been classified as a Variant of Uncertain Significance.

GeneDx
Classification: Uncertain significance. Last evaluated: 2022-12-28. Review status: criteria provided, single submitter. Criteria: GeneDx Variant Classification Process June 2021. Collection method: clinical testing. Allele origin: germline. Affected: yes.
Comment: Not observed at a significant frequency in large population cohorts (gnomAD); Canonical splice site variant with an unclear effect on protein function; Has not been previously published as pathogenic or benign to our knowledge

Literature cited by the submitters: PubMed 16199547 (cited by Labcorp Genetics (formerly Invitae), Labcorp).